The following is an entry in ClinVar:

NM_000427.3(LORICRIN):c.653C>T (p.Ser218Leu)

Gene: LORICRIN (loricrin cornified envelope precursor protein; plus strand). Cytogenetic location: 1q21.3.
Variant type: single nucleotide variant.
Coding change: c.653C>T on transcript NM_000427.3 (MANE Select); coding-DNA position 653, C replaced by T.
Protein change: p.Ser218Leu; replaces serine 218 with leucine.
Molecular consequence: missense variant.
Genome position (GRCh38, 1-based): chr1:153,261,602, C>T. VCF-style: chr1-153261602-C-T. GRCh37 (hg19) VCF-style: chr1-153234078-C-T.
Other names: short protein forms S218L.
Identifiers: ClinVar variation 2188703 (VCV002188703.4), dbSNP rs2526494205, ClinGen allele CA342506886.

ClinVar aggregate classification (germline): Uncertain significance (1 of 4 stars; one submission).

Allele frequency attached by ClinVar (database versions not stated): gnomAD exomes below 0.00001.

Submission:

Labcorp Genetics (formerly Invitae), Labcorp
Classification: Uncertain significance. Last evaluated: 2025-02-24. Review status: criteria provided, single submitter. Criteria: Invitae Variant Classification Sherloc (09022015). Collection method: clinical testing. Allele origin: germline.
Comment: This sequence change replaces serine, which is neutral and polar, with leucine, which is neutral and non-polar, at codon 218 of the LOR protein (p.Ser218Leu). This variant is not present in population databases (gnomAD no frequency). This variant has not been reported in the literature in individuals affected with LOR-related conditions. ClinVar contains an entry for this variant (Variation ID: 2188703). Experimental studies and prediction algorithms are not available or were not evaluated, and the functional significance of this variant is currently unknown. In summary, the available evidence is currently insufficient to determine the role of this variant in disease. Therefore, it has been classified as a Variant of Uncertain Significance.